The following is an entry in ClinVar:

ClinVar aggregate classification (germline): Likely pathogenic (1 of 4 stars; one submission).

Submission:

Labcorp Genetics (formerly Invitae), Labcorp
Classification: Likely pathogenic. Last evaluated: 2022-09-19. Review status: criteria provided, single submitter. Criteria: Invitae Variant Classification Sherloc (09022015). Collection method: clinical testing. Allele origin: germline.
Comment: In summary, the currently available evidence indicates that the variant is pathogenic, but additional data are needed to prove that conclusively. Therefore, this variant has been classified as Likely Pathogenic. Algorithms developed to predict the effect of sequence changes on RNA splicing suggest that this variant may disrupt the consensus splice site. ClinVar contains an entry for this variant (Variation ID: 1054314). This variant has not been reported in the literature in individuals affected with RINT1-related conditions. This variant is not present in population databases (gnomAD no frequency). This sequence change affects an acceptor splice site in intron 8 of the RINT1 gene. It is expected to disrupt RNA splicing. Variants that disrupt the donor or acceptor splice site typically lead to a loss of protein function (PMID: 16199547), and loss-of-function variants in RINT1 are known to be pathogenic (PMID: 31204009).

Literature cited by the submitters: PubMed 16199547; PubMed 31204009.

NM_021930.6(RINT1):c.1108-1G>T

Gene: RINT1 (RAD50 interactor 1; plus strand). Cytogenetic location: 7q22.3.
Variant type: single nucleotide variant.
Coding change: c.1108-1G>T on transcript NM_021930.6 (MANE Select); the canonical splice acceptor site of the intron before coding-DNA position 1108, G replaced by T.
Molecular consequence: splice acceptor variant.
Genome position (GRCh38, 1-based): chr7:105,550,260, G>T. VCF-style: chr7-105550260-G-T. GRCh37 (hg19) VCF-style: chr7-105190707-G-T.
Other names: c.85-1G>T (NM_001346600.2, NM_001346603.2); c.184-1G>T (NM_001346601.2); c.874-1G>T (NM_001346599.2).
Identifiers: ClinVar variation 1054314 (VCV001054314.7), dbSNP rs2133400946, ClinGen allele CA368808697.